The following is an entry in ClinVar:

NC_000010.10:g.(?_5238831)_(5260723_?)del

Gene: AKR1C4 (aldo-keto reductase family 1 member C4; plus strand). Cytogenetic location: 10p15.1.
Variant type: Deletion.
Identifiers: ClinVar variation 3244964 (VCV003244964.1).

ClinVar aggregate classification (germline): Uncertain significance (1 of 4 stars; one submission).

Submission:

Labcorp Genetics (formerly Invitae), Labcorp
Classification: Uncertain significance. Last evaluated: 2022-06-12. Review status: criteria provided, single submitter. Criteria: Invitae Variant Classification Sherloc (09022015). Collection method: clinical testing. Allele origin: unknown.
Comment: A gross deletion of the genomic region encompassing the full coding sequence of the AKR1C4 gene has been identified. The current clinical and genetic evidence is not sufficient to establish whether loss-of-function variants in AKR1C4 cause disease. The boundaries of this event are unknown as they extend beyond the assayed region for this gene and therefore may encompass additional genes. In summary, the available evidence is currently insufficient to determine the role of this variant in disease. Therefore, it has been classified as a Variant of Uncertain Significance. This variant has not been reported in the literature in individuals affected with AKR1C4-related conditions.